The following is an entry in ClinVar:

NM_001199138.2(NLRC4):c.1379C>T (p.Thr460Met)

Gene: NLRC4 (NLR family CARD domain containing 4; minus strand). Cytogenetic location: 2p22.3.
Variant type: single nucleotide variant.
Coding change: c.1379C>T on transcript NM_001199138.2 (MANE Select); coding-DNA position 1379, C replaced by T.
Protein change: p.Thr460Met; replaces threonine 460 with methionine.
Molecular consequence: missense variant. On other transcripts: intron variant (1).
Genome position (GRCh38, 1-based): chr2:32,250,485, G>A on the plus strand (C>T on the coding strand, the complement: NLRC4 is on the minus strand). VCF-style: chr2-32250485-G-A. GRCh37 (hg19) VCF-style: chr2-32475554-G-A.
Other names: c.1379C>T, p.Thr460Met (NM_001199139.2, NM_021209.5); c.262+1934C>T (NM_001302504.1); short protein forms T460M.
Identifiers: ClinVar variation 1694361 (VCV001694361.6), dbSNP rs1206027883, ClinGen allele CA346512587.

ClinVar aggregate classification (germline): Uncertain significance. Review status: criteria provided, multiple submitters, no conflicts (2 of 4 stars). 2 submissions from 2 submitters: Uncertain significance (2). Last evaluated 2026-02-01.

Conditions:
Familial cold autoinflammatory syndrome 4 (FCAS4). Identifiers: Orphanet 47045, Orphanet 576349, MedGen C4015276, MONDO:0014498, OMIM 616115.
Periodic fever-infantile enterocolitis-autoinflammatory syndrome. Also called: Autoinflammation with infantile enterocolitis. Identifiers: Orphanet 436166, MedGen C4015067, MONDO:0014472, OMIM 616050.
Autoinflammatory syndrome. Identifiers: Orphanet 93665, MedGen C3890737, MONDO:0019751.

Allele frequency attached by ClinVar (database versions not stated): TOPMed below 0.00001; gnomAD exomes below 0.00001; gnomAD 0.00001.
gnomAD v4.1: 6 of 1,614,102 alleles (0.00037%); highest among the groups gnomAD compares: Non-Finnish European, 0.00051%; no homozygotes.

Submissions (2):

Labcorp Genetics (formerly Invitae), Labcorp
Classification: Uncertain significance for Periodic fever-infantile enterocolitis-autoinflammatory syndrome; Familial cold autoinflammatory syndrome 4. Last evaluated: 2026-02-01. Review status: criteria provided, single submitter. Criteria: Invitae Variant Classification Sherloc (09022015). Collection method: clinical testing. Allele origin: germline.
Comment: This sequence change replaces threonine, which is neutral and polar, with methionine, which is neutral and non-polar, at codon 460 of the NLRC4 protein (p.Thr460Met). This variant is present in population databases (no rsID available, gnomAD 0.003%). This variant has not been reported in the literature in individuals affected with NLRC4-related conditions. ClinVar contains an entry for this variant (Variation ID: 1694361). Invitae Evidence Modeling of protein sequence and biophysical properties (such as structural, functional, and spatial information, amino acid conservation, physicochemical variation, residue mobility, and thermodynamic stability) indicates that this missense variant is not expected to disrupt NLRC4 protein function with a negative predictive value of 80%. In summary, the available evidence is currently insufficient to determine the role of this variant in disease. Therefore, it has been classified as a Variant of Uncertain Significance.

Genome Diagnostics Laboratory, The Hospital for Sick Children
Classification: Uncertain significance for Autoinflammatory syndrome. Last evaluated: 2021-04-16. Review status: criteria provided, single submitter. Criteria: ACMG Guidelines, 2015. Collection method: clinical testing. Allele origin: germline. Affected: yes.